The following is an entry in ClinVar:

ClinVar aggregate classification (germline): Conflicting classifications of pathogenicity. Review status: criteria provided, conflicting classifications (1 of 4 stars). 5 submissions from 4 submitters: Pathogenic (2); Likely pathogenic (1); Uncertain significance (2). Last evaluated 2024-03-26.

Conditions:
ABCC8-related disorder.
Transitory neonatal diabetes mellitus. Also called: Transient neonatal diabetes mellitus. Identifiers: MedGen C0342273, MONDO:0020525, HP:0008255.
Maturity-onset diabetes of the young (MODY). Also called: Maturity onset diabetes mellitus in young. Identifiers: Orphanet 552, MedGen C0342276, MONDO:0018911, HP:0004904.

Submissions (5):

Labcorp Genetics (formerly Invitae), Labcorp
Classification: Pathogenic. Last evaluated: 2024-03-26. Review status: criteria provided, single submitter. Criteria: Invitae Variant Classification Sherloc (09022015). Collection method: clinical testing. Allele origin: germline.
Comment: This sequence change replaces glutamine, which is neutral and polar, with arginine, which is basic and polar, at codon 474 of the ABCC8 protein (p.Gln474Arg). This variant is not present in population databases (gnomAD no frequency). This missense change has been observed in individual(s) with autosomal dominant congenital hyperinsulinism (PMID: 17114887, 21536946, 33502730). In at least one individual the variant was observed to be de novo. ClinVar contains an entry for this variant (Variation ID: 804489). Advanced modeling of protein sequence and biophysical properties (such as structural, functional, and spatial information, amino acid conservation, physicochemical variation, residue mobility, and thermodynamic stability) has been performed at Invitae for this missense variant, however the output from this modeling did not meet the statistical confidence thresholds required to predict the impact of this variant on ABCC8 protein function. Experimental studies have shown that this missense change affects ABCC8 function (PMID: 21536946). For these reasons, this variant has been classified as Pathogenic.

PreventionGenetics, part of Exact Sciences
Classification: Likely pathogenic for ABCC8-related condition. Last evaluated: 2023-04-13. Review status: criteria provided, single submitter. Criteria: ACMG Guidelines, 2015. Collection method: clinical testing. Allele origin: germline.
Comment: The ABCC8 c.1421A>G variant is predicted to result in the amino acid substitution p.Gln474Arg. This variant has been reported to in several individuals with congenital hyperinsulinism (Christesen et al 2007. PubMed ID: 17114887; Macmullen CM et al 2011. PubMed ID: 21536946; Supplementary Appendix, Snider et al. 2012. PubMed ID: 23275527; Supplementary table 1, Xu ZD et al 2021. PubMed ID: 33502730). In at least three of these individuals, this variant were reported to have arise de novo (Christesen et al 2007. PubMed ID: 17114887; Macmullen CM et al 2011. PubMed ID: 21536946; Supplementary table 1, Xu ZD et al 2021. PubMed ID: 33502730). This variant has not been reported in a large population database, indicating this variant is rare. This variant is interpreted as likely pathogenic.

Athena Diagnostics
Classification: Pathogenic. Last evaluated: 2018-12-18. Review status: criteria provided, single submitter. Criteria: Athena Diagnostics Criteria. Collection method: clinical testing. Allele origin: germline.
Comment: Not found in the total gnomAD dataset, and the data is high quality (0/278276 chr). Found in at least one symptomatic patient. Predicted to have a damaging effect on the protein. Damaging to protein function(s) relevant to disease mechanism. 3 de novo cases without parental identity confirmed.

Clinical Genomics, Uppaluri K&H Personalized Medicine Clinic
Classification: Uncertain significance for Transitory neonatal diabetes mellitus. Review status: criteria provided, single submitter. Criteria: K & H Uppaluri Personalized Medicine Clinic Variant Classification & Assertion Criteria_Updated V.1. Collection method: research. Allele origin: unknown. Inheritance: Somatic mutation.
Comment: Mutations in ABCC8 gene are associated with both neonatal diabetes mellitus as well as MODY. Patients with this mutation may have a better response to sulfonylureas. However, no sufficient evidence is found to ascertain the role of this particular variant ( rs1591834223) in neonatal diabetes yet.

Clinical Genomics, Uppaluri K&H Personalized Medicine Clinic
Classification: Uncertain significance for Maturity-onset diabetes of the young. Review status: criteria provided, single submitter. Criteria: K & H Uppaluri Personalized Medicine Clinic Variant Classification & Assertion Criteria_Updated V.1. Collection method: research. Allele origin: unknown. Inheritance: Somatic mutation.
Comment: Mutations in ABCC8 gene are associated with both neonatal diabetes mellitus as well as MODY. Patients with this mutation may have a better response to sulfonylureas. However, no sufficient evidence is found to ascertain the role of this particular variant ( rs1591834223) in mody yet.

Literature cited by the submitters: PubMed 17114887 (cited by Labcorp Genetics (formerly Invitae), Labcorp and Athena Diagnostics); PubMed 21536946 (cited by Labcorp Genetics (formerly Invitae), Labcorp and Athena Diagnostics); PubMed 33502730 (cited by Labcorp Genetics (formerly Invitae), Labcorp); PubMed 25008049 (cited by Athena Diagnostics); PubMed 23275527 (cited by Athena Diagnostics); PubMed 16885549 (cited by Clinical Genomics, Uppaluri K&H Personalized Medicine Clinic); PubMed 21989597 (cited by Clinical Genomics, Uppaluri K&H Personalized Medicine Clinic); PubMed 27538677 (cited by Clinical Genomics, Uppaluri K&H Personalized Medicine Clinic); PubMed 18981553 (cited by Clinical Genomics, Uppaluri K&H Personalized Medicine Clinic); PubMed 32027066 (cited by Clinical Genomics, Uppaluri K&H Personalized Medicine Clinic); PubMed 16613899 (cited by Clinical Genomics, Uppaluri K&H Personalized Medicine Clinic); PubMed 18025408 (cited by Clinical Genomics, Uppaluri K&H Personalized Medicine Clinic); PubMed 32792356 (cited by Clinical Genomics, Uppaluri K&H Personalized Medicine Clinic).

NM_000352.6(ABCC8):c.1421A>G (p.Gln474Arg)

Gene: ABCC8 (ATP binding cassette subfamily C member 8; minus strand). Cytogenetic location: 11p15.1.
Variant type: single nucleotide variant.
Coding change: c.1421A>G on transcript NM_000352.6 (MANE Select); coding-DNA position 1421, A replaced by G.
Protein change: p.Gln474Arg; replaces glutamine 474 with arginine.
Molecular consequence: missense variant. On other transcripts: non-coding transcript variant (1).
Genome position (GRCh38, 1-based): chr11:17,443,224, T>C on the plus strand (A>G on the coding strand, the complement: ABCC8 is on the minus strand). VCF-style: chr11-17443224-T-C. GRCh37 (hg19) VCF-style: chr11-17464771-T-C.
Other names: c.1421A>G (NM_000352.4); c.1421A>G, p.Gln474Arg (NM_001287174.3, NM_001351295.2); c.1418A>G, p.Gln473Arg (NM_001351296.2, NM_001351297.2); short protein forms Q473R, Q474R.
Identifiers: ClinVar variation 804489 (VCV000804489.5), dbSNP rs1591834223, ClinGen allele CA379767055.
Genomic context (GRCh38, chr11:17,443,224, plus strand): 5'-CTTTGGGCACTCACCAGTGTGCTCCGCTGGGCCTGAGACAGCTTGGTGGCCACGAAGTAC[T>C]GGACAGGAGCCAGTAGAATGATGACAGCTGCTCCAATTAAGGCACTGACTCCGAGTATGT-3'
Protein context (NP_000343.2, residues 464-484): AAVIILLAPV[Gln474Arg]YFVATKLSQA